The following is an entry in ClinVar:

NM_003038.5(SLC1A4):c.88G>A (p.Gly30Arg)

Gene: SLC1A4 (solute carrier family 1 member 4; plus strand). Cytogenetic location: 2p14.
Variant type: single nucleotide variant.
Coding change: c.88G>A on transcript NM_003038.5 (MANE Select); coding-DNA position 88, G replaced by A.
Protein change: p.Gly30Arg; replaces glycine 30 with arginine.
Molecular consequence: missense variant. On other transcripts: intron variant (3).
Genome position (GRCh38, 1-based): chr2:64,989,731, G>A. VCF-style: chr2-64989731-G-A. GRCh37 (hg19) VCF-style: chr2-65216865-G-A.
Other names: c.-134+1111G>A (NM_001348406.2, NM_001193493.2); c.-134+1177G>A (NM_001348407.2); short protein forms G30R.
Identifiers: ClinVar variation 1504323 (VCV001504323.5), dbSNP rs749878288, ClinGen allele CA1685833.

ClinVar aggregate classification (germline): Uncertain significance (1 of 4 stars; one submission).

Allele frequency attached by ClinVar (database versions not stated): ExAC 0.00005.

Submission:

Labcorp Genetics (formerly Invitae), Labcorp
Classification: Uncertain significance. Last evaluated: 2021-12-03. Review status: criteria provided, single submitter. Criteria: Invitae Variant Classification Sherloc (09022015). Collection method: clinical testing. Allele origin: germline.
Comment: This sequence change replaces glycine, which is neutral and non-polar, with arginine, which is basic and polar, at codon 30 of the SLC1A4 protein (p.Gly30Arg). The frequency data for this variant in the population databases is considered unreliable, as metrics indicate poor data quality at this position in the gnomAD database. This variant has not been reported in the literature in individuals affected with SLC1A4-related conditions. Algorithms developed to predict the effect of missense changes on protein structure and function output the following: SIFT: "Tolerated"; PolyPhen-2: "Benign"; Align-GVGD: "Class C0". The arginine amino acid residue is found in multiple mammalian species, which suggests that this missense change does not adversely affect protein function. In summary, the available evidence is currently insufficient to determine the role of this variant in disease. Therefore, it has been classified as a Variant of Uncertain Significance.